The following is an entry in ClinVar:

ClinVar aggregate classification (germline): Likely pathogenic (1 of 4 stars; one submission).

Submission:

Mayo Clinic Laboratories, Mayo Clinic
Classification: Likely pathogenic. Last evaluated: 2022-07-22. Review status: criteria provided, single submitter. Criteria: ACMG Guidelines, 2015. Collection method: clinical testing. Allele origin: germline. Observed: 1 variant allele.
Comment: PM2, PVS1

NM_000552.5(VWF):c.6578G>A (p.Trp2193Ter)

Gene: VWF (von Willebrand factor; minus strand). Cytogenetic location: 12p13.31.
Variant type: single nucleotide variant.
Coding change: c.6578G>A on transcript NM_000552.5 (MANE Select); coding-DNA position 6578, G replaced by A.
Protein change: p.Trp2193Ter; replaces tryptophan 2193 with a stop codon.
Molecular consequence: nonsense.
Genome position (GRCh38, 1-based): chr12:5,993,882, C>T on the plus strand (G>A on the coding strand, the complement: VWF is on the minus strand). VCF-style: chr12-5993882-C-T. GRCh37 (hg19) VCF-style: chr12-6103048-C-T.
Other names: p.Trp2193*; short protein forms W2193*.
Identifiers: ClinVar variation 2683421 (VCV002683421.1), dbSNP rs2497453463, ClinGen allele CA383490669.